The following is an entry in ClinVar:

NM_006329.4(FBLN5):c.433A>G (p.Ile145Val)

Gene: FBLN5 (fibulin 5; minus strand). Cytogenetic location: 14q32.12.
Variant type: single nucleotide variant.
Coding change: c.433A>G on transcript NM_006329.4 (MANE Select); coding-DNA position 433, A replaced by G.
Protein change: p.Ile145Val; replaces isoleucine 145 with valine.
Molecular consequence: missense variant.
Genome position (GRCh38, 1-based): chr14:91,895,019, T>C on the plus strand (A>G on the coding strand, the complement: FBLN5 is on the minus strand). VCF-style: chr14-91895019-T-C. GRCh37 (hg19) VCF-style: chr14-92361363-T-C.
Other names: c.556A>G, p.Ile186Val (NM_001384158.1); c.484A>G, p.Ile162Val (NM_001384159.1); c.433A>G, p.Ile145Val (NM_001384160.1); c.265A>G, p.Ile89Val (NM_001384161.1, NM_001384162.1); short protein forms I145V, I162V, I186V, I89V.
Identifiers: ClinVar variation 3616045 (VCV003616045.2).

ClinVar aggregate classification (germline): Uncertain significance (1 of 4 stars; one submission).

Submission:

Labcorp Genetics (formerly Invitae), Labcorp
Classification: Uncertain significance. Last evaluated: 2024-02-01. Review status: criteria provided, single submitter. Criteria: Invitae Variant Classification Sherloc (09022015). Collection method: clinical testing. Allele origin: germline.
Comment: This sequence change replaces isoleucine, which is neutral and non-polar, with valine, which is neutral and non-polar, at codon 145 of the FBLN5 protein (p.Ile145Val). This variant is not present in population databases (gnomAD no frequency). This variant has not been reported in the literature in individuals affected with FBLN5-related conditions. Advanced modeling of protein sequence and biophysical properties (such as structural, functional, and spatial information, amino acid conservation, physicochemical variation, residue mobility, and thermodynamic stability) performed at Invitae indicates that this missense variant is not expected to disrupt FBLN5 protein function with a negative predictive value of 80%. In summary, the available evidence is currently insufficient to determine the role of this variant in disease. Therefore, it has been classified as a Variant of Uncertain Significance.